The following is an entry in ClinVar:

NM_006237.4(POU4F1):c.158_161dup (p.Leu55fs)

Genes: OBI1-AS1 (OBI1 antisense RNA 1; plus strand), POU4F1 (POU class 4 homeobox 1; minus strand). Cytogenetic location: 13q31.1.
Variant type: Duplication.
Coding change: c.158_161dup on transcript NM_006237.4 (MANE Select); coding-DNA positions 158 to 161, 4 bases duplicated (CGCT; older notation c.158_161dupCGCT).
Protein change: p.Leu55fs; shifts the reading frame from leucine 55.
Molecular consequence: frameshift variant.
Genome position (GRCh38, 1-based): chr13:78,602,514-78,602,517, AGCG duplicated on the plus strand (CGCT on the coding strand, the reverse complement: POU4F1 is on the minus strand). VCF-style (leftmost placement, unchanged base first): chr13-78602513-C-CAGCG. GRCh37 (hg19) VCF-style: chr13-79176648-C-CAGCG.
Other names: c.158_161dup (NM_006237.3); short protein forms L55fs.
Identifiers: ClinVar variation 973028 (VCV000973028.3), dbSNP rs1874754405, ClinGen allele CA1139663334.

ClinVar aggregate classification (germline): Pathogenic (0 of 4 stars; one submission).

Conditions:
Ataxia, intention tremor, and hypotonia syndrome, childhood-onset. Identifiers: MedGen C5543478, MONDO:0859158, OMIM 619352.

Submission:

OMIM
Classification: Pathogenic for ATAXIA, INTENTION TREMOR, AND HYPOTONIA SYNDROME, CHILDHOOD-ONSET. Last evaluated: 2021-06-08. Review status: no assertion criteria provided. Collection method: literature only. Allele origin: germline.

Literature cited by the submitters: PubMed 33783914 (cited by OMIM).